The following is an entry in ClinVar:

ClinVar aggregate classification (germline): Uncertain significance (1 of 4 stars; one submission).

Conditions:
DNMT3A-related disorder. Also called: DNMT3A-related disorders; DNMT3A-related condition.

Submission:

PreventionGenetics, part of Exact Sciences
Classification: Uncertain significance for DNMT3A-related condition. Last evaluated: 2025-01-23. Review status: criteria provided, single submitter. Criteria: ACMG Guidelines, 2015. Collection method: clinical testing. Allele origin: germline.
Comment: The DNMT3A c.83T>C variant is predicted to result in the amino acid substitution p.Leu28Pro. To our knowledge, this variant has not been reported in the literature or in a large population database, indicating this variant is rare. At this time, the clinical significance of this variant is uncertain due to the absence of conclusive functional and genetic evidence.

NM_022552.5(DNMT3A):c.640-3760T>C

Gene: DNMT3A (DNA methyltransferase 3 alpha; minus strand). Cytogenetic location: 2p23.3.
Variant type: single nucleotide variant.
Coding change: c.640-3760T>C on transcript NM_022552.5 (MANE Select); 3760 bases into the intron before coding-DNA position 640, T replaced by C.
Molecular consequence: intron variant. On other transcripts: missense variant (1).
Genome position (GRCh38, 1-based): chr2:25,252,012, A>G on the plus strand (T>C on the coding strand, the complement: DNMT3A is on the minus strand). VCF-style: chr2-25252012-A-G. GRCh37 (hg19) VCF-style: chr2-25474881-A-G.
Other names: c.83T>C, p.Leu28Pro (NM_001320893.1); c.640-3760T>C (NM_175629.2); c.4+182T>C (NM_153759.3); c.-31+182T>C (NM_001375819.1); short protein forms L28P.
Identifiers: ClinVar variation 2632273 (VCV002632273.2), dbSNP rs2465628125, ClinGen allele CA2658168042.